The following is an entry in ClinVar:

NM_016816.4(OAS1):c.*84G>A

Gene: OAS1 (2'-5'-oligoadenylate synthetase 1; plus strand). Cytogenetic location: 12q24.13.
Variant type: single nucleotide variant.
Coding change: c.*84G>A on transcript NM_016816.4 (MANE Select); 84 bases downstream of the stop codon, G replaced by A.
Molecular consequence: 3 prime UTR variant. On other transcripts: missense variant (1), intron variant (1).
Genome position (GRCh38, 1-based): chr12:112,919,637, G>A. VCF-style: chr12-112919637-G-A. GRCh37 (hg19) VCF-style: chr12-113357442-G-A.
Other names: c.1189G>A, p.Gly397Arg (NM_001032409.3); c.1038+1937G>A (NM_001320151.2); c.1189G>A (NM_001032409.2); short protein forms G397R.
Identifiers: ClinVar variation 1246789 (VCV001246789.7), dbSNP rs2660, ClinGen allele CA6800046.

ClinVar aggregate classification (germline): Benign. Review status: criteria provided, multiple submitters, no conflicts (2 of 4 stars). 4 submissions from 4 submitters: Benign (3). 1 of the submissions does not count toward it. Last evaluated 2024-01-24.

Conditions:
OAS1-related disorder. Also called: OAS1-related condition.

Allele frequency attached by ClinVar (database versions not stated): gnomAD exomes 0.66892 and 0.71479; ExAC 0.73342; ESP Exome Variant Server 0.73981; gnomAD 0.75116 and 0.75492; TOPMed 0.76275; 1000 Genomes Project 0.78774; 1000 Genomes Project 30x 0.79232.
gnomAD v4.1: 1,087,363 of 1,607,450 alleles (68%); highest among the groups gnomAD compares: African/African-American, 93%; 372,892 homozygotes.

Submissions (4):

Unidad de Genómica Garrahan, Hospital de Pediatría Garrahan
Classification: Benign. Last evaluated: 2024-01-24. Review status: criteria provided, single submitter. Criteria: ACMG Guidelines, 2015. Collection method: clinical testing. Allele origin: germline. Affected: no. Observed: 89 variant alleles.
Comment: This variant is classified as Benign based on local population frequency. This variant was detected in 94% of patients studied by a panel of primary immunodeficiencies. Number of patients: 89. Only high quality variants are reported.

GeneDx
Classification: Benign. Last evaluated: 2021-05-13. Review status: criteria provided, single submitter. Criteria: GeneDx Variant Classification Process June 2021. Collection method: clinical testing. Allele origin: germline. Affected: yes.
Comment: This variant is associated with the following publications: (PMID: 21638280)

Breakthrough Genomics
Classification: Benign. Review status: criteria provided, single submitter. Criteria: ACMG Guidelines, 2015. Collection method: not provided. Allele origin: germline. Inheritance: Autosomal dominant inheritance. Affected: yes.

PreventionGenetics, part of Exact Sciences
Classification: Benign for OAS1-related condition. Last evaluated: 2019-05-17. Review status: no assertion criteria provided. Collection method: clinical testing. Allele origin: germline. Not counted in ClinVar's aggregate classification.
Comment: This variant is classified as benign based on ACMG/AMP sequence variant interpretation guidelines (Richards et al. 2015 PMID: 25741868, with internal and published modifications).